The following is an entry in ClinVar:

NM_000057.4(BLM):c.2746C>T (p.Leu916Phe)

Gene: BLM (BLM RecQ like helicase; plus strand). Cytogenetic location: 15q26.1.
Variant type: single nucleotide variant.
Coding change: c.2746C>T on transcript NM_000057.4 (MANE Select); coding-DNA position 2746, C replaced by T.
Protein change: p.Leu916Phe; replaces leucine 916 with phenylalanine.
Molecular consequence: missense variant.
Genome position (GRCh38, 1-based): chr15:90,785,004, C>T. VCF-style: chr15-90785004-C-T. GRCh37 (hg19) VCF-style: chr15-91328234-C-T.
Other names: c.2746C>T, p.Leu916Phe (NM_001287246.2, NM_001287247.2); c.1621C>T, p.Leu541Phe (NM_001287248.2); short protein forms L541F, L916F.
Identifiers: ClinVar variation 2561127 (VCV002561127.5), dbSNP rs1424143421, ClinGen allele CA393846020.
Genomic context (GRCh38, chr15:90,785,004, plus strand): 5'-CTCTCCAGGCGAGAATGTGACACCATGGCTGACACGTTACAGAGAGATGGGCTCGCTGCT[C>T]TTGCTTACCATGCTGGCCTCAGTGATTCTGCCAGAGATGAAGTGCAGCAGAAGTGGATTA-3'
Protein context (NP_000048.1, residues 906-926): DTLQRDGLAA[Leu916Phe]AYHAGLSDSA

ClinVar aggregate classification (germline): Uncertain significance. Review status: criteria provided, multiple submitters, no conflicts (2 of 4 stars). 2 submissions from 2 submitters: Uncertain significance (2). Last evaluated 2025-04-12.

Conditions:
Hereditary cancer-predisposing syndrome. Also called: Neoplastic Syndromes, Hereditary; Hereditary Cancer Syndrome; Hereditary neoplastic syndrome; Tumor predisposition. Identifiers: Orphanet 140162, MedGen C0027672, MeSH D009386, MONDO:0015356.
Bloom syndrome (BLM). Also called: Bloom-Torre-Machacek syndrome. Identifiers: Orphanet 125, MedGen C0005859, MONDO:0008876, OMIM 210900.

gnomAD v4.1: 3 of 1,614,046 alleles (0.00019%); highest among the groups gnomAD compares: Non-Finnish European, 0.00025%; no homozygotes.

Submissions (2):

Ambry Genetics
Classification: Uncertain significance for Hereditary cancer-predisposing syndrome. Last evaluated: 2025-04-12. Review status: criteria provided, single submitter. Criteria: Ambry Variant Classification Scheme 2023. Collection method: clinical testing. Allele origin: germline.
Comment: The p.L916F variant (also known as c.2746C>T), located in coding exon 13 of the BLM gene, results from a C to T substitution at nucleotide position 2746. The leucine at codon 916 is replaced by phenylalanine, an amino acid with highly similar properties. This amino acid position is highly conserved in available vertebrate species. In addition, the in silico prediction for this alteration is inconclusive. Since supporting evidence is limited at this time, the clinical significance of this alteration remains unclear.

Labcorp Genetics (formerly Invitae), Labcorp
Classification: Uncertain significance for Bloom syndrome. Last evaluated: 2024-10-02. Review status: criteria provided, single submitter. Criteria: Invitae Variant Classification Sherloc (09022015). Collection method: clinical testing. Allele origin: germline.
Comment: This sequence change replaces leucine, which is neutral and non-polar, with phenylalanine, which is neutral and non-polar, at codon 916 of the BLM protein (p.Leu916Phe). This variant is not present in population databases (gnomAD no frequency). This variant has not been reported in the literature in individuals affected with BLM-related conditions. ClinVar contains an entry for this variant (Variation ID: 2561127). Invitae Evidence Modeling of protein sequence and biophysical properties (such as structural, functional, and spatial information, amino acid conservation, physicochemical variation, residue mobility, and thermodynamic stability) indicates that this missense variant is expected to disrupt BLM protein function with a positive predictive value of 80%. In summary, the available evidence is currently insufficient to determine the role of this variant in disease. Therefore, it has been classified as a Variant of Uncertain Significance.